The following is an entry in ClinVar:

ClinVar aggregate classification (germline): Benign/Likely benign. Review status: criteria provided, multiple submitters, no conflicts (2 of 4 stars). 3 submissions from 3 submitters: Benign (1); Likely benign (2). Last evaluated 2026-01-05.

Conditions:
POLA1-related disorder. Also called: POLA1-related condition.

Allele frequency attached by ClinVar (database versions not stated): TOPMed 0.00006; gnomAD 0.00007 and 0.00009; ESP Exome Variant Server 0.00009; gnomAD exomes 0.00014 and 0.00023; ExAC 0.00026.
gnomAD v4.1: 162 of 1,191,045 alleles (0.014%); highest among the groups gnomAD compares: Middle Eastern, 0.14%; no homozygotes.

Submissions (4):

Labcorp Genetics (formerly Invitae), Labcorp
Classification: Benign. Last evaluated: 2026-01-05. Review status: criteria provided, single submitter. Criteria: Invitae Variant Classification Sherloc (09022015). Collection method: clinical testing. Allele origin: germline.

Blueprint Genetics
Classification: Likely benign. Last evaluated: 2024-10-23. Review status: criteria provided, single submitter. Criteria: ACMG Guidelines, 2015. Collection method: clinical testing. Allele origin: germline.

PreventionGenetics, part of Exact Sciences
Classification: Likely benign for POLA1-related condition. Last evaluated: 2024-10-23. Review status: criteria provided, single submitter. Criteria: ACMG Guidelines, 2015. Collection method: clinical testing. Allele origin: germline.
Comment: This variant is classified as likely benign based on ACMG/AMP sequence variant interpretation guidelines (Richards et al. 2015 PMID: 25741868, with internal and published modifications).

Dr. Peter K. Rogan Lab, Western University
No classification provided (evidence only). Condition: Thyroid cancer, nonmedullary, 1. Review status: no classification provided. Collection method: in vitro. Allele origin: not applicable. Functional consequence: retained intron. Not counted in ClinVar's aggregate classification.

NM_001330360.2(POLA1):c.4221G>A (p.Ala1407=)

Gene: POLA1 (DNA polymerase alpha 1, catalytic subunit; plus strand). Cytogenetic location: Xp21.3.
Variant type: single nucleotide variant.
Coding change: c.4221G>A on transcript NM_001330360.2 (MANE Select); coding-DNA position 4221, G replaced by A.
Protein change: p.Ala1407=; no amino-acid change (alanine 1407 retained).
Molecular consequence: synonymous variant. On other transcripts: non-coding transcript variant (2).
Genome position (GRCh38, 1-based): chrX:24,930,509, G>A. VCF-style: chrX-24930509-G-A. GRCh37 (hg19) VCF-style: chrX-24948626-G-A.
Other names: c.4146G>A, p.Ala1382= (NM_001378303.1); c.4203G>A, p.Ala1401= (NM_016937.4); c.4203G>A (NM_016937.3).
Identifiers: ClinVar variation 1601448 (VCV001601448.11), dbSNP rs200725778, ClinGen allele CA10373706.
Genomic context (GRCh38, chrX:24,930,509, plus strand): 5'-ACAGTATTCTGACAAGTCCCTGTACACCCAGCTGTGCTTTTACCGGTACATTTTTGATGC[G>A]GAGTGTGCACTGGAGAAACTTACTACCGATCATGAGAAAGGTACGTTAAAATACTGTAAT-3'
Protein context (NP_001317289.1, residues 1397-1417): QLCFYRYIFD[Ala1407=]ECALEKLTTD